The following is an entry in ClinVar:

NM_000535.7(PMS2):c.2530C>A (p.Pro844Thr)

Gene: PMS2 (PMS1 homolog 2, mismatch repair system component; minus strand). Cytogenetic location: 7p22.1.
Variant type: single nucleotide variant.
Coding change: c.2530C>A on transcript NM_000535.7 (MANE Select); coding-DNA position 2530, C replaced by A.
Protein change: p.Pro844Thr; replaces proline 844 with threonine.
Molecular consequence: missense variant. On other transcripts: non-coding transcript variant (1).
Genome position (GRCh38, 1-based): chr7:5,973,458, G>T on the plus strand (C>A on the coding strand, the complement: PMS2 is on the minus strand). VCF-style: chr7-5973458-G-T. GRCh37 (hg19) VCF-style: chr7-6013089-G-T.
Other names: c.2212C>A, p.Pro738Thr (NM_001322008.2, NM_001322007.2); c.2158C>A, p.Pro720Thr (NM_001322009.2); c.1969C>A, p.Pro657Thr (NM_001322010.2); c.1597C>A, p.Pro533Thr (NM_001322011.2, NM_001322012.2); c.1957C>A, p.Pro653Thr (NM_001322013.2); c.2563C>A, p.Pro855Thr (NM_001322014.2); c.2221C>A, p.Pro741Thr (NM_001322015.2); c.2125C>A, p.Pro709Thr (NM_001322003.2, NM_001322004.2, NM_001322005.2); and 1 more; short protein forms P533T, P653T, P657T, P709T, P720T, P738T, P741T, P792T.
Identifiers: ClinVar variation 999624 (VCV000999624.10), dbSNP rs1781490910, ClinGen allele CA366734857.

ClinVar aggregate classification (germline): Uncertain significance. Review status: criteria provided, multiple submitters, no conflicts (2 of 4 stars). 2 submissions from 2 submitters: Uncertain significance (2). Last evaluated 2025-08-25.

Conditions:
Hereditary nonpolyposis colorectal neoplasms. Identifiers: MedGen C0009405, MeSH D003123.

Submissions (2):

Labcorp Genetics (formerly Invitae), Labcorp
Classification: Uncertain significance for Hereditary nonpolyposis colorectal neoplasms. Last evaluated: 2025-08-25. Review status: criteria provided, single submitter. Criteria: Invitae Variant Classification Sherloc (09022015). Collection method: clinical testing. Allele origin: germline.
Comment: This sequence change replaces proline, which is neutral and non-polar, with threonine, which is neutral and polar, at codon 844 of the PMS2 protein (p.Pro844Thr). The frequency data for this variant in the population databases (gnomAD) is considered unreliable due to the presence of homologous sequence, such as pseudogenes or paralogs, in the genome. This variant has not been reported in the literature in individuals affected with PMS2-related conditions. ClinVar contains an entry for this variant (Variation ID: 999624). Invitae Evidence Modeling of protein sequence and biophysical properties (such as structural, functional, and spatial information, amino acid conservation, physicochemical variation, residue mobility, and thermodynamic stability) indicates that this missense variant is expected to disrupt PMS2 protein function with a positive predictive value of 80%. This variant disrupts the p.Pro844 amino acid residue in PMS2. Other variant(s) that disrupt this residue have been determined to be pathogenic (PMID: 26318770, 35451539; internal data). This suggests that this residue is clinically significant, and that variants that disrupt this residue are likely to be disease-causing. In summary, the available evidence is currently insufficient to determine the role of this variant in disease. Therefore, it has been classified as a Variant of Uncertain Significance.

Blueprint Genetics
Classification: Uncertain significance. Last evaluated: 2023-10-02. Review status: criteria provided, single submitter. Criteria: ACMG Guidelines, 2015. Collection method: clinical testing. Allele origin: germline.

Literature cited by the submitters: PubMed 26318770 (cited by Labcorp Genetics (formerly Invitae), Labcorp); PubMed 35451539 (cited by Labcorp Genetics (formerly Invitae), Labcorp).